The following is an entry in ClinVar:

ClinVar aggregate classification (germline): Benign/Likely benign. Review status: criteria provided, multiple submitters, no conflicts (2 of 4 stars). 3 submissions from 3 submitters: Benign (1); Likely benign (2). Last evaluated 2025-06-25.

Conditions:
Hereditary cancer-predisposing syndrome. Also called: Hereditary neoplastic syndrome; Hereditary Cancer Syndrome; Tumor predisposition; Neoplastic Syndromes, Hereditary. Identifiers: Orphanet 140162, MedGen C0027672, MeSH D009386, MONDO:0015356.
Oligodontia-cancer predisposition syndrome. Also called: TOOTH AGENESIS-COLORECTAL CANCER SYNDROME. Identifiers: Orphanet 300576, MedGen C1837750, MONDO:0012075, OMIM 608615. Disease mechanism: loss of function.

gnomAD v4.1: 1 of 1,613,360 alleles (0.000062%); no homozygotes.

Submissions (3):

Ambry Genetics
Classification: Likely benign for Hereditary cancer-predisposing syndrome. Last evaluated: 2025-06-25. Review status: criteria provided, single submitter. Criteria: Ambry Variant Classification Scheme 2023. Collection method: clinical testing. Allele origin: germline.

Myriad Genetics, Inc.
Classification: Benign for Oligodontia-cancer predisposition syndrome. Last evaluated: 2024-06-25. Review status: criteria provided, single submitter. Criteria: Myriad Autosomal Dominant, Autosomal Recessive and X-Linked Classification Criteria (2023). Collection method: clinical testing. Allele origin: unknown.
Comment: This variant is considered benign. This variant is a silent/synonymous amino acid change and it is not expected to impact splicing.

Labcorp Genetics (formerly Invitae), Labcorp
Classification: Likely benign for Oligodontia-cancer predisposition syndrome. Last evaluated: 2020-03-03. Review status: criteria provided, single submitter. Criteria: Invitae Variant Classification Sherloc (09022015). Collection method: clinical testing. Allele origin: germline.

NM_004655.4(AXIN2):c.114A>G (p.Pro38=)

Gene: AXIN2 (axin 2; minus strand). Cytogenetic location: 17q24.1.
Variant type: single nucleotide variant.
Coding change: c.114A>G on transcript NM_004655.4 (MANE Select); coding-DNA position 114, A replaced by G.
Protein change: p.Pro38=; no amino-acid change (proline 38 retained).
Molecular consequence: synonymous variant.
Genome position (GRCh38, 1-based): chr17:65,558,507, T>C on the plus strand (A>G on the coding strand, the complement: AXIN2 is on the minus strand). VCF-style: chr17-65558507-T-C. GRCh37 (hg19) VCF-style: chr17-63554625-T-C.
Other names: c.114A>G (NM_004655.3); c.114A>G, p.Pro38= (NM_001363813.1).
Identifiers: ClinVar variation 1135541 (VCV001135541.11), dbSNP rs2144590869, ClinGen allele CA501691585.